The following is an entry in ClinVar:

NM_002047.4(GARS1):c.186G>C (p.Glu62Asp)

Gene: GARS1 (glycyl-tRNA synthetase 1; plus strand). Cytogenetic location: 7p14.3.
Variant type: single nucleotide variant.
Coding change: c.186G>C on transcript NM_002047.4 (MANE Select); coding-DNA position 186, G replaced by C.
Protein change: p.Glu62Asp; replaces glutamic acid 62 with aspartic acid.
Molecular consequence: missense variant.
Genome position (GRCh38, 1-based): chr7:30,595,107, G>C. VCF-style: chr7-30595107-G-C. GRCh37 (hg19) VCF-style: chr7-30634723-G-C.
Other names: c.186G>C (LRG_243t1); c.24G>C, p.Glu8Asp (NM_001316772.1); short protein forms E62D, E8D.
Identifiers: ClinVar variation 452076 (VCV000452076.8), dbSNP rs1554336540, ClinGen allele CA367138712.

ClinVar aggregate classification (germline): Uncertain significance. Review status: criteria provided, multiple submitters, no conflicts (2 of 4 stars). 2 submissions from 2 submitters: Uncertain significance (2). Last evaluated 2023-11-22.

Conditions:
Charcot-Marie-Tooth disease type 2. Also called: Charcot-Marie-Tooth type 2. Identifiers: Orphanet 64746, MedGen C0270914, MONDO:0018993.

Allele frequency attached by ClinVar (database versions not stated): gnomAD 0.00001; TOPMed below 0.00001.
gnomAD v4.1: 1 of 1,540,872 alleles (0.000065%); highest among the groups gnomAD compares: Non-Finnish European, 0.000087%; no homozygotes.

Submissions (2):

Labcorp Genetics (formerly Invitae), Labcorp
Classification: Uncertain significance for Charcot-Marie-Tooth disease type 2. Last evaluated: 2023-11-22. Review status: criteria provided, single submitter. Criteria: Invitae Variant Classification Sherloc (09022015). Collection method: clinical testing. Allele origin: germline.
Comment: This sequence change replaces glutamic acid, which is acidic and polar, with aspartic acid, which is acidic and polar, at codon 62 of the GARS protein (p.Glu62Asp). This variant is not present in population databases (gnomAD no frequency). This variant has not been reported in the literature in individuals affected with GARS-related conditions. ClinVar contains an entry for this variant (Variation ID: 452076). Advanced modeling of protein sequence and biophysical properties (such as structural, functional, and spatial information, amino acid conservation, physicochemical variation, residue mobility, and thermodynamic stability) performed at Invitae indicates that this missense variant is not expected to disrupt GARS protein function with a negative predictive value of 95%. In summary, the available evidence is currently insufficient to determine the role of this variant in disease. Therefore, it has been classified as a Variant of Uncertain Significance.

GeneDx
Classification: Uncertain significance. Last evaluated: 2019-07-02. Review status: criteria provided, single submitter. Criteria: GeneDx Variant Classification Process June 2021. Collection method: clinical testing. Allele origin: germline. Affected: yes.
Comment: Not observed in large population cohorts (Lek et al., 2016); In silico analysis, which includes protein predictors and evolutionary conservation, supports that this variant does not alter protein structure/function; Has not been previously published as pathogenic or benign to our knowledge